The following is an entry in ClinVar:

NM_001134831.2(AHI1):c.1303C>A (p.Arg435=)

Gene: AHI1 (Abelson helper integration site 1; minus strand). Cytogenetic location: 6q23.3.
Variant type: single nucleotide variant.
Coding change: c.1303C>A on transcript NM_001134831.2 (MANE Select); coding-DNA position 1303, C replaced by A.
Protein change: p.Arg435=; no amino-acid change (arginine 435 retained).
Molecular consequence: synonymous variant.
Genome position (GRCh38, 1-based): chr6:135,455,775, G>T on the plus strand (C>A on the coding strand, the complement: AHI1 is on the minus strand). VCF-style: chr6-135455775-G-T. GRCh37 (hg19) VCF-style: chr6-135776913-G-T.
Other names: c.1303C>A, p.Arg435= (NM_001134830.2, NM_001134832.2, NM_001350503.2 and 2 more transcripts).
Identifiers: ClinVar variation 969396 (VCV000969396.12), dbSNP rs121434349, ClinGen allele CA4012625.

ClinVar aggregate classification (germline): Conflicting classifications of pathogenicity. Review status: criteria provided, conflicting classifications (1 of 4 stars). 3 submissions from 3 submitters: Uncertain significance (1); Likely benign (2). Last evaluated 2026-03-03.

Conditions:
AHI1-related disorder. Also called: AHI1-related condition.
Joubert syndrome 3 (JBTS3). Also called: AHI1-related Ciliopathy. Identifiers: Orphanet 220493, MedGen C1837713, MONDO:0012078, OMIM 608629.
Joubert syndrome. Also called: Familial aplasia of the vermis; JOUBERT-BOLTSHAUSER SYNDROME. Identifiers: Orphanet 475, MedGen C5979921, MONDO:0018772.

Allele frequency attached by ClinVar (database versions not stated): gnomAD 0.00013; TOPMed 0.00013.
gnomAD v4.1: 32 of 1,602,926 alleles (0.002%); highest among the groups gnomAD compares: African/African-American, 0.04%; no homozygotes.

Submissions (4):

PreventionGenetics, part of Exact Sciences
Classification: Uncertain significance for AHI1-related condition. Last evaluated: 2026-03-03. Review status: criteria provided, single submitter. Criteria: ACMG Guidelines, 2015. Collection method: clinical testing. Allele origin: germline.
Comment: The AHI1 c.1303C>A variant is not predicted to result in an amino acid change (p.=). To our knowledge, this variant has not been reported in the literature. This variant is predicted to alter splicing based on available splicing prediction programs (SpliceAI, Jaganathan et al. 2019. PubMed ID: 30661751). However, the use of computer prediction programs is not equivalent to functional evidence. This variant is reported in 0.048% of alleles in individuals of African descent in gnomAD. At this time, the clinical significance of this variant is uncertain due to the absence of conclusive functional and genetic evidence.

Fulgent Genetics
Classification: Likely benign for Joubert syndrome 3. Last evaluated: 2024-06-17. Review status: criteria provided, single submitter. Criteria: ACMG Guidelines, 2015. Collection method: clinical testing. Allele origin: germline.

Labcorp Genetics (formerly Invitae), Labcorp
Classification: Likely benign for Joubert syndrome. Last evaluated: 2024-02-06. Review status: criteria provided, single submitter. Criteria: Invitae Variant Classification Sherloc (09022015). Collection method: clinical testing. Allele origin: germline.

Dr. Peter K. Rogan Lab, Western University
No classification provided (evidence only). Condition: Thyroid cancer, nonmedullary, 1. Review status: no classification provided. Collection method: in vitro. Allele origin: not applicable. Functional consequence: retained intron. Not counted in ClinVar's aggregate classification.